The following is an entry in ClinVar:

NM_001110556.2(FLNA):c.7001G>T (p.Arg2334Leu)

Gene: FLNA (filamin A; minus strand). Cytogenetic location: Xq28.
Variant type: single nucleotide variant.
Coding change: c.7001G>T on transcript NM_001110556.2 (MANE Select); coding-DNA position 7001, G replaced by T.
Protein change: p.Arg2334Leu; replaces arginine 2334 with leucine.
Molecular consequence: missense variant.
Genome position (GRCh38, 1-based): chrX:154,351,603, C>A on the plus strand (G>T on the coding strand, the complement: FLNA is on the minus strand). VCF-style: chrX-154351603-C-A. GRCh37 (hg19) VCF-style: chrX-153579971-C-A.
Other names: c.6977G>T, p.Arg2326Leu (NM_001456.4); short protein forms R2334L, R2326L.
Identifiers: ClinVar variation 959842 (VCV000959842.10), dbSNP rs782770155, ClinGen allele CA415185554.

ClinVar aggregate classification (germline): Uncertain significance (1 of 4 stars; one submission).

Conditions:
Heterotopia, periventricular, X-linked dominant (PVNH1). Also called: PERIVENTRICULAR NODULAR HETEROTOPIA 4; HETEROTOPIA, PERIVENTRICULAR, 1; PERIVENTRICULAR NODULAR HETEROTOPIA 1; X-linked periventricular heterotopia. Identifiers: Orphanet 2149, Orphanet 82004, MedGen C1848213, MONDO:0010233, OMIM 300049.
Oto-palato-digital syndrome, type II (OPD2). Also called: Otopalatodigital Syndrome, Type II; Otopalatodigital Syndrome Type 2 (FLNA-OPD2); FACIOPALATOOSSEOUS SYNDROME; OPD II SYNDROME. Identifiers: Orphanet 669, Orphanet 90652, MedGen C1844696, MONDO:0010571, OMIM 304120.
Melnick-Needles syndrome (MNS). Also called: Melnick-Needles Syndrome (FLNA-MNS); MELNICK-NEEDLES OSTEODYSPLASTY; OSTEODYSPLASTY OF MELNICK AND NEEDLES. Identifiers: Orphanet 2484, MedGen C0025237, MONDO:0010650, OMIM 309350.
Frontometaphyseal dysplasia (FMD1). Identifiers: Orphanet 1826, MedGen C0265293, MONDO:0015942.

Submission:

Labcorp Genetics (formerly Invitae), Labcorp
Classification: Uncertain significance for Oto-palato-digital syndrome, type II; Heterotopia, periventricular, X-linked dominant; Frontometaphyseal dysplasia; Melnick-Needles syndrome. Last evaluated: 2019-09-28. Review status: criteria provided, single submitter. Criteria: Invitae Variant Classification Sherloc (09022015). Collection method: clinical testing. Allele origin: germline.
Comment: This variant is not present in population databases (ExAC no frequency). In summary, the available evidence is currently insufficient to determine the role of this variant in disease. Therefore, it has been classified as a Variant of Uncertain Significance. Algorithms developed to predict the effect of missense changes on protein structure and function are either unavailable or do not agree on the potential impact of this missense change (SIFT: "Deleterious"; PolyPhen-2: "Benign"; Align-GVGD: "Class C65"). This variant has not been reported in the literature in individuals with FLNA-related conditions. This sequence change replaces arginine with leucine at codon 2326 of the FLNA protein (p.Arg2326Leu). The arginine residue is highly conserved and there is a moderate physicochemical difference between arginine and leucine.